The following is an entry in ClinVar:

ClinVar aggregate classification (germline): Uncertain significance. Review status: criteria provided, multiple submitters, no conflicts (2 of 4 stars). 5 submissions from 5 submitters: Uncertain significance (4). 1 of the submissions does not count toward it. Last evaluated 2025-08-07.

Conditions:
Tyrosinase-positive oculocutaneous albinism (OCA2). Also called: ALBINISM II; Oculocutaneous albinism type 2; Albinism, oculocutaneous, type II. Identifiers: Orphanet 79432, MedGen C0268495, MONDO:0008746, OMIM 203200.
Melanoma, cutaneous malignant, susceptibility to, 5. Also called: Cutaneous malignant melanoma 5. Identifiers: Orphanet 618, MedGen C2751295, MONDO:0013133, OMIM 613099.
SKIN/HAIR/EYE PIGMENTATION, VARIATION IN, 2 (SHEP2). Also called: BLOND HAIR/FAIR SKIN; HAIR COLOR 2; RED HAIR COLOR. Identifiers: MedGen C1849452, OMIM 266300.
Increased analgesia from kappa-opioid receptor agonist, female-specific. Identifiers: MedGen C2751296, OMIM 613098.
bilateral breast cancer. Identifiers: MedGen CN235586.

Allele frequency attached by ClinVar (database versions not stated): gnomAD 0.00003; TOPMed 0.00004; ExAC 0.00007; gnomAD exomes 0.00008.
gnomAD v4.1: 69 of 1,613,076 alleles (0.0043%); highest among the groups gnomAD compares: Middle Eastern, 0.016%; no homozygotes.

Submissions (5):

Labcorp Genetics (formerly Invitae), Labcorp
Classification: Uncertain significance for Melanoma, cutaneous malignant, susceptibility to, 5. Last evaluated: 2025-08-07. Review status: criteria provided, single submitter. Criteria: Invitae Variant Classification Sherloc (09022015). Collection method: clinical testing. Allele origin: germline.
Comment: This sequence change replaces cysteine, which is neutral and slightly polar, with tyrosine, which is neutral and polar, at codon 35 of the MC1R protein (p.Cys35Tyr). This variant is present in population databases (rs779504604, gnomAD 0.01%). This missense change has been observed in individual(s) with melanoma (PMID: 16809487, 16982779, 24335900, 24982914). ClinVar contains an entry for this variant (Variation ID: 430181). An algorithm developed to predict the effect of missense changes on protein structure and function (PolyPhen-2) suggests that this variant is likely to be disruptive. In summary, the available evidence is currently insufficient to determine the role of this variant in disease. Therefore, it has been classified as a Variant of Uncertain Significance.

Fulgent Genetics
Classification: Uncertain significance for Tyrosinase-positive oculocutaneous albinism; SKIN/HAIR/EYE PIGMENTATION, VARIATION IN, 2; Increased analgesia from kappa-opioid receptor agonist, female-specific; Melanoma, cutaneous malignant, susceptibility to, 5. Last evaluated: 2022-05-24. Review status: criteria provided, single submitter. Criteria: ACMG Guidelines, 2015. Collection method: clinical testing. Allele origin: unknown.

GeneDx
Classification: Uncertain significance. Last evaluated: 2017-05-22. Review status: criteria provided, single submitter. Criteria: GeneDx Variant Classification (06012015). Collection method: clinical testing. Allele origin: germline. Affected: yes.
Comment: The C35Y variant in the MC1R gene has been reported previously in association with blue eyes and blond hair in an individual who was also heterozygous for a second MC1R variant (Fargnoli et al., 2003). The C35Y has also been identified in control individuals (Fernandez et al., 2007; Ibarrola-Villava et al., 2010). The C35Y variant is observed in 8/62392 (0.01%) alleles from individuals of non-Finnish background in the ExAC dataset, and no individuals were reported to be homozygous (Lek et al., 2016). The C35Y variant is a non-conservative amino acid substitution, which is likely to impact secondary protein structure as these residues differ in polarity, charge, size and/or other properties. This substitution occurs at a position that is conserved in mammals, and in silico analysis predicts this variant is probably damaging to the protein structure/function. We interpret C35Y as a variant of uncertain significance.

Breakthrough Genomics
Classification: Uncertain significance. Review status: criteria provided, single submitter. Criteria: ACMG Guidelines, 2015. Collection method: not provided. Allele origin: germline. Inheritance: Autosomal recessive inheritance. Affected: yes.

Center of Medical Genetics and Primary Health Care
Classification: Uncertain significance for Bilateral breast cancer. Last evaluated: 2020-04-08. Review status: no assertion criteria provided. Collection method: research. Allele origin: germline. Affected: yes. Observed: 1 heterozygote. Not counted in ClinVar's aggregate classification.
Comment: ACMG Guidelines 2015 criteria PP3 Pathogenic Supporting: 6 pathogenic predictions from EIGEN, FATHMM-MKL, M-CAP, MutationAssessor, MutationTaster and SIFT vs 4 benign predictions from DANN, DEOGEN2, MVP and REVEL. BS2 Benign Strong: Observed in healthy adults: GnomAD exomes allele count = 21 > 5 threshold for dominant gene MC1R. BP1 Benign Supporting: 44 out of 45 non-VUS missense variants in gene MC1R are benign = 97.8% > threshold of 51.0%, and 85 out of 169 clinically reported variants in gene MC1R are benign = 50.3% > threshold of 24.0%. This variant was not reported in patients with breast cancer. In summary, the available evidence is currently insufficient to determine the role of this variant in disease. Therefore, it has been classified as a Variant of Uncertain Significance.

Literature cited by the submitters: PubMed 16809487 (cited by Labcorp Genetics (formerly Invitae), Labcorp); PubMed 16982779 (cited by Labcorp Genetics (formerly Invitae), Labcorp); PubMed 24335900 (cited by Labcorp Genetics (formerly Invitae), Labcorp); PubMed 24982914 (cited by Labcorp Genetics (formerly Invitae), Labcorp).

NM_002386.4(MC1R):c.104G>A (p.Cys35Tyr)

Gene: MC1R (melanocortin 1 receptor; plus strand). Cytogenetic location: 16q24.3.
Variant type: single nucleotide variant.
Coding change: c.104G>A on transcript NM_002386.4 (MANE Select); coding-DNA position 104, G replaced by A.
Protein change: p.Cys35Tyr; replaces cysteine 35 with tyrosine.
Molecular consequence: missense variant.
Genome position (GRCh38, 1-based): chr16:89,919,362, G>A. VCF-style: chr16-89919362-G-A. GRCh37 (hg19) VCF-style: chr16-89985770-G-A.
Other names: short protein forms C35Y.
Identifiers: ClinVar variation 430181 (VCV000430181.18), dbSNP rs779504604, ClinGen allele CA8255485.